The following is an entry in ClinVar:

NM_000744.7(CHRNA4):c.683A>T (p.Glu228Val)

Gene: CHRNA4 (cholinergic receptor nicotinic alpha 4 subunit; minus strand). Cytogenetic location: 20q13.33.
Variant type: single nucleotide variant.
Coding change: c.683A>T on transcript NM_000744.7 (MANE Select); coding-DNA position 683, A replaced by T.
Protein change: p.Glu228Val; replaces glutamic acid 228 with valine.
Molecular consequence: missense variant. On other transcripts: non-coding transcript variant (1).
Genome position (GRCh38, 1-based): chr20:63,350,728, T>A on the plus strand (A>T on the coding strand, the complement: CHRNA4 is on the minus strand). VCF-style: chr20-63350728-T-A. GRCh37 (hg19) VCF-style: chr20-61982080-T-A.
Other names: c.155A>T, p.Glu52Val (NM_001256573.2); short protein forms E228V, E52V.
Identifiers: ClinVar variation 577900 (VCV000577900.1), dbSNP rs1568810474, ClinGen allele CA409637164.
Genomic context (GRCh38, chr20:63,350,728, plus strand): 5'-ATGGTGTAGAAGAGCGGCAGCCGCCGGATGACGAAGGCATAGGTGATGTCCGGGTAGATC[T>A]CGGCACAGCACTCGTACTTCCTGGTGTTGTAGGTGCCCACGGCATCCACGATGACCCACT-3'
Protein context (NP_000735.1, residues 218-238): YNTRKYECCA[Glu228Val]IYPDITYAFV

ClinVar aggregate classification (germline): Uncertain significance (1 of 4 stars; one submission).

Conditions:
Familial sleep-related hypermotor epilepsy. Also called: Autosomal Dominant Sleep-Related Hypermotor (Hyperkinetic) Epilepsy. Identifiers: Orphanet 98784, MedGen C3696898, MONDO:0000030.

Submission:

Labcorp Genetics (formerly Invitae), Labcorp
Classification: Uncertain significance. Last evaluated: 2018-02-16. Review status: criteria provided, single submitter. Criteria: Invitae Variant Classification Sherloc (09022015). Collection method: clinical testing. Allele origin: germline.
Comment: This sequence change replaces glutamic acid with valine at codon 228 of the CHRNA4 protein (p.Glu228Val). The glutamic acid residue is highly conserved and there is a moderate physicochemical difference between glutamic acid and valine. This variant is not present in population databases (ExAC no frequency). This variant has not been reported in the literature in individuals with CHRNA4-related disease. Algorithms developed to predict the effect of missense changes on protein structure and function do not agree on the potential impact of this missense change (SIFT: "Deleterious"; PolyPhen-2: "Probably Damaging"; Align-GVGD: "Class C0"). In summary, the available evidence is currently insufficient to determine the role of this variant in disease. Therefore, it has been classified as a Variant of Uncertain Significance.